The following is an entry in ClinVar:

NM_058216.1(RAD51C):c.(?_-1)_837+?del

Genes: RAD51C (RAD51 paralog C; plus strand), LOC129390903 (MPRA-validated peak2919 silencer; plus strand), LOC130061310 (ATAC-STARR-seq lymphoblastoid active region 12491; plus strand), LOC130061311 (ATAC-STARR-seq lymphoblastoid active region 12492; plus strand). Cytogenetic location: 17q22.
Variant type: Deletion.
Other names: c.(?_-1)_837+?del (LRG_314t1).
Identifiers: ClinVar variation 219702 (VCV000219702.1).

ClinVar aggregate classification (germline): Pathogenic (1 of 4 stars; one submission).

Conditions:
Fanconi anemia complementation group O. Also called: RAD51C-Related Fanconi Anemia. Identifiers: Orphanet 84, MedGen C3150653, MONDO:0013248, OMIM 613390.

Submission:

Labcorp Genetics (formerly Invitae), Labcorp
Classification: Pathogenic for Fanconi anemia complementation group O. Last evaluated: 2015-08-02. Review status: criteria provided, single submitter. Criteria: Invitae Variant Classification Sherloc (09022015). Collection method: clinical testing. Allele origin: germline.
Comment: This sequence change is a gross deletion of the genomic region encompassing exons 1-5 of the RAD51C gene. This deletion extends to both edges of the assayed region, and the 5' and 3' boundaries of this event are not known. However, it is expected to result in the loss of 74% of the RAD51C protein (p.Met1_Ala279del), including the initiator methionine. While no subgenic deletions of exons 1-5 in RAD51C have been reported in the literature, experimental studies have shown that this region contains sequence elements that are crucial for RAD51C protein function (PMID: 12966089, 14704354, 15126333). Also, a deletion of 27 nucleotides that affects the first 5 codons of RAD51C (c.-13_14del27) has been reported in a family affected with breast/ovarian cancer and leukemia (PMID: 21750962), probably reflecting the deleterious effect that the loss of the natural initiator methionine has on RAD51C translation. For these reasons, this variant has been classified as Pathogenic.